The following is an entry in ClinVar:

NM_014329.5(EDC4):c.2733C>G (p.Thr911=)

Gene: EDC4 (enhancer of mRNA decapping 4; plus strand). Cytogenetic location: 16q22.1.
Variant type: single nucleotide variant.
Coding change: c.2733C>G on transcript NM_014329.5 (MANE Select); coding-DNA position 2733, C replaced by G.
Protein change: p.Thr911=; no amino-acid change (threonine 911 retained).
Molecular consequence: synonymous variant.
Genome position (GRCh38, 1-based): chr16:67,881,361, C>G. VCF-style: chr16-67881361-C-G. GRCh37 (hg19) VCF-style: chr16-67915264-C-G.
Identifiers: ClinVar variation 2646643 (VCV002646643.24), dbSNP rs138068113, ClinGen allele CA8119253.

ClinVar aggregate classification (germline): Likely benign (1 of 4 stars; one submission).

Allele frequency attached by ClinVar (database versions not stated): 1000 Genomes Project 30x 0.00172; 1000 Genomes Project 0.00180; ESP Exome Variant Server 0.00331.

Submission:

CeGaT Center for Human Genetics Tuebingen
Classification: Likely benign. Last evaluated: 2022-05-01. Review status: criteria provided, single submitter. Criteria: CeGaT Center For Human Genetics Tuebingen Variant Classification Criteria Version 2. Collection method: clinical testing. Allele origin: germline. Affected: yes. Observed: 1 variant allele.
Comment: EDC4: BP4, BP7